The following is an entry in ClinVar:

NM_001378452.1(ITPR1):c.7784G>C (p.Gly2595Ala)

Genes: ITPR1 (inositol 1,4,5-trisphosphate receptor type 1; plus strand), LOC126806590 (MED14-independent group 3 enhancer GRCh37_chr3:4855759-4856958; plus strand). Cytogenetic location: 3p26.1.
Variant type: single nucleotide variant.
Coding change: c.7784G>C on transcript NM_001378452.1 (MANE Select); coding-DNA position 7784, G replaced by C.
Protein change: p.Gly2595Ala; replaces glycine 2595 with alanine.
Molecular consequence: missense variant.
Genome position (GRCh38, 1-based): chr3:4,815,135, G>C. VCF-style: chr3-4815135-G-C. GRCh37 (hg19) VCF-style: chr3-4856819-G-C.
Other names: c.7640G>C, p.Gly2547Ala (NM_001099952.4); c.7739G>C, p.Gly2580Ala (NM_001168272.2); c.7595G>C, p.Gly2532Ala (NM_002222.7); short protein forms G2547A, G2580A, G2532A, G2595A.
Identifiers: ClinVar variation 243076 (VCV000243076.1), dbSNP rs869312685, ClinGen allele CA10584078.
Genomic context (GRCh38, chr3:4,815,135, plus strand): 5'-TTATTTATGACCTCTTGTTCTTCTTCATGGTCATCATCATTGTTCTTAACCTGATTTTTG[G>C]GGTTATCATTGACACTTTTGCTGACCTGAGGAGTGAGAAGCAGAAGAAGGAAGAGATCTT-3'
Protein context (NP_001365381.1, residues 2585-2605): VIIIVLNLIF[Gly2595Ala]VIIDTFADLR

ClinVar aggregate classification (germline): Likely pathogenic (1 of 4 stars; one submission).

Conditions:
Spinocerebellar ataxia type 29 (SCA29). Also called: CEREBELLAR ATAXIA, CONGENITAL NONPROGRESSIVE, AUTOSOMAL DOMINANT; Spinocerebellar ataxia 29, congenital nonprogressive. Identifiers: Orphanet 208513, MedGen C1861732, MONDO:0007298, OMIM 117360.

Submission:

Lupski Lab, Baylor-Hopkins CMG, Baylor College of Medicine
Classification: Likely pathogenic for Spinocerebellar ataxia type 29. Last evaluated: 2015-08-18. Review status: criteria provided, single submitter. Criteria: Gonzaga-Jauregui et al. (Cell Rep. 2015). Collection method: research. Allele origin: de novo. Inheritance: Autosomal dominant inheritance. Affected: yes. Observed: 1 variant allele, 1 heterozygote.
Comment: Likely pathogenic based on prediction scores (SIFT, MutationTaster).